The following is an entry in ClinVar:

NM_004655.4(AXIN2):c.1135G>A (p.Glu379Lys)

Gene: AXIN2 (axin 2; minus strand). Cytogenetic location: 17q24.1.
Variant type: single nucleotide variant.
Coding change: c.1135G>A on transcript NM_004655.4 (MANE Select); coding-DNA position 1135, G replaced by A.
Protein change: p.Glu379Lys; replaces glutamic acid 379 with lysine.
Molecular consequence: missense variant.
Genome position (GRCh38, 1-based): chr17:65,538,268, C>T on the plus strand (G>A on the coding strand, the complement: AXIN2 is on the minus strand). VCF-style: chr17-65538268-C-T. GRCh37 (hg19) VCF-style: chr17-63534386-C-T.
Other names: c.1135G>A, p.Glu379Lys (NM_001363813.1); short protein forms E379K.
Identifiers: ClinVar variation 2562217 (VCV002562217.3), dbSNP rs2544182331, ClinGen allele CA400678356.

ClinVar aggregate classification (germline): Uncertain significance. Review status: criteria provided, multiple submitters, no conflicts (2 of 4 stars). 2 submissions from 2 submitters: Uncertain significance (2). Last evaluated 2025-07-22.

Conditions:
Hereditary cancer-predisposing syndrome. Also called: Neoplastic Syndromes, Hereditary; Hereditary Cancer Syndrome; Hereditary neoplastic syndrome; Tumor predisposition. Identifiers: Orphanet 140162, MedGen C0027672, MeSH D009386, MONDO:0015356.
Oligodontia-cancer predisposition syndrome. Also called: TOOTH AGENESIS-COLORECTAL CANCER SYNDROME. Identifiers: Orphanet 300576, MedGen C1837750, MONDO:0012075, OMIM 608615. Disease mechanism: loss of function.

gnomAD v4.1: 8 of 1,614,228 alleles (0.0005%); highest among the groups gnomAD compares: Non-Finnish European, 0.00068%; no homozygotes.

Submissions (2):

Labcorp Genetics (formerly Invitae), Labcorp
Classification: Uncertain significance for Oligodontia-cancer predisposition syndrome. Last evaluated: 2025-07-22. Review status: criteria provided, single submitter. Criteria: Invitae Variant Classification Sherloc (09022015). Collection method: clinical testing. Allele origin: germline.
Comment: This sequence change replaces glutamic acid, which is acidic and polar, with lysine, which is basic and polar, at codon 379 of the AXIN2 protein (p.Glu379Lys). This variant is not present in population databases (gnomAD no frequency). This variant has not been reported in the literature in individuals affected with AXIN2-related conditions. ClinVar contains an entry for this variant (Variation ID: 2562217). Invitae Evidence Modeling of protein sequence and biophysical properties (such as structural, functional, and spatial information, amino acid conservation, physicochemical variation, residue mobility, and thermodynamic stability) indicates that this missense variant is expected to disrupt AXIN2 protein function with a positive predictive value of 80%. In summary, the available evidence is currently insufficient to determine the role of this variant in disease. Therefore, it has been classified as a Variant of Uncertain Significance.

Ambry Genetics
Classification: Uncertain significance for Hereditary cancer-predisposing syndrome. Last evaluated: 2023-06-01. Review status: criteria provided, single submitter. Criteria: Ambry Variant Classification Scheme 2023. Collection method: clinical testing. Allele origin: germline.
Comment: The p.E379K variant (also known as c.1135G>A), located in coding exon 4 of the AXIN2 gene, results from a G to A substitution at nucleotide position 1135. The glutamic acid at codon 379 is replaced by lysine, an amino acid with similar properties. This amino acid position is highly conserved in available vertebrate species. In addition, this alteration is predicted to be deleterious by in silico analysis. Since supporting evidence is limited at this time, the clinical significance of this alteration remains unclear.